The following is an entry in ClinVar:

ClinVar aggregate classification (germline): Uncertain significance. Review status: criteria provided, multiple submitters, no conflicts (2 of 4 stars). 2 submissions from 2 submitters: Uncertain significance (2). Last evaluated 2025-11-17.

Conditions:
KMT2D-related disorder. Also called: KMT2D-Related Disorders.
Inborn genetic diseases. Identifiers: MedGen C0950123, MeSH D030342.

gnomAD v4.1: 2 of 1,570,482 alleles (0.00013%); highest among the groups gnomAD compares: Non-Finnish European, 0.00017%; no homozygotes.

Submissions (2):

PreventionGenetics, part of Exact Sciences
Classification: Uncertain significance for KMT2D-related condition. Last evaluated: 2025-11-17. Review status: criteria provided, single submitter. Criteria: ACMG Guidelines, 2015. Collection method: clinical testing. Allele origin: germline.
Comment: The KMT2D c.7435T>C variant is predicted to result in the amino acid substitution p.Phe2479Leu. To our knowledge, this variant has not been reported in the literature or in a large population database (gnomAD), indicating this variant is rare. At this time, the clinical significance of this variant is uncertain due to the absence of conclusive functional and genetic evidence.

Ambry Genetics
Classification: Uncertain significance for Inborn genetic diseases. Last evaluated: 2025-07-14. Review status: criteria provided, single submitter. Criteria: Ambry Variant Classification Scheme 2023. Collection method: clinical testing. Allele origin: germline.

NM_003482.4(KMT2D):c.7435T>C (p.Phe2479Leu)

Gene: KMT2D (lysine methyltransferase 2D; minus strand). Cytogenetic location: 12q13.12.
Variant type: single nucleotide variant.
Coding change: c.7435T>C on transcript NM_003482.4 (MANE Select); coding-DNA position 7435, T replaced by C.
Protein change: p.Phe2479Leu; replaces phenylalanine 2479 with leucine.
Molecular consequence: missense variant.
Genome position (GRCh38, 1-based): chr12:49,040,335, A>G on the plus strand (T>C on the coding strand, the complement: KMT2D is on the minus strand). VCF-style: chr12-49040335-A-G. GRCh37 (hg19) VCF-style: chr12-49434118-A-G.
Other names: short protein forms F2479L.
Identifiers: ClinVar variation 4094348 (VCV004094348.2).